The following is an entry in ClinVar:

ClinVar aggregate classification (germline): Conflicting classifications of pathogenicity. Review status: criteria provided, conflicting classifications (1 of 4 stars). 5 submissions from 5 submitters: Likely pathogenic (2); Uncertain significance (1); Likely benign (1). 1 of the submissions does not count toward it. Last evaluated 2023-01-06.

Conditions:
Tuberous sclerosis 2 (TSC2). Identifiers: Orphanet 805, MedGen C1860707, MONDO:0013199, OMIM 613254.
Tuberous sclerosis syndrome (TSC). Also called: Tuberous Sclerosis Complex; Tuberous sclerosis. Identifiers: Orphanet 805, MedGen C0041341, MONDO:0001734.

Submissions (5):

GeneDx
Classification: Likely pathogenic. Last evaluated: 2023-01-06. Review status: criteria provided, single submitter. Criteria: GeneDx Variant Classification Process June 2021. Collection method: clinical testing. Allele origin: germline. Affected: yes.
Comment: Not observed in large population cohorts (gnomAD); In silico analysis, which includes protein predictors and evolutionary conservation, supports a deleterious effect; This variant is associated with the following publications: (PMID: 10732801, 31927531, 29642139)

Labcorp Genetics (formerly Invitae), Labcorp
Classification: Uncertain significance for Tuberous sclerosis 2. Last evaluated: 2021-12-21. Review status: criteria provided, single submitter. Criteria: Invitae Variant Classification Sherloc (09022015). Collection method: clinical testing. Allele origin: germline.
Comment: Algorithms developed to predict the effect of missense changes on protein structure and function are either unavailable or do not agree on the potential impact of this missense change (SIFT: "Deleterious"; PolyPhen-2: "Probably Damaging"; Align-GVGD: "Class C0"). This sequence change replaces proline, which is neutral and non-polar, with leucine, which is neutral and non-polar, at codon 816 of the TSC2 protein (p.Pro816Leu). This variant is not present in population databases (gnomAD no frequency). This missense change has been observed in individual(s) with clinical features of tuberous sclerosis complex (PMID: 10732801, 29642139). ClinVar contains an entry for this variant (Variation ID: 50182). In summary, the available evidence is currently insufficient to determine the role of this variant in disease. Therefore, it has been classified as a Variant of Uncertain Significance.

Genome-Nilou Lab
Classification: Likely benign for Tuberous sclerosis 2. Last evaluated: 2021-11-07. Review status: criteria provided, single submitter. Criteria: ACMG Guidelines, 2015. Collection method: clinical testing. Allele origin: germline. Affected: no.

Institute of Human Genetics, University of Leipzig Medical Center
Classification: Likely pathogenic for Tuberous sclerosis 2. Last evaluated: 2021-02-11. Review status: criteria provided, single submitter. Criteria: ACMG Guidelines, 2015. Collection method: clinical testing. Allele origin: unknown, de novo. Affected: yes.
Comment: This variant was identified as de novo (maternity and paternity confirmed).

Tuberous sclerosis database (TSC2)
No classification provided. Condition: TSC. Review status: no classification provided. Criteria: Tuberous Sclerosis Database Assertion Criteria 2015. Collection method: curation. Allele origin: germline. Affected: yes. Not counted in ClinVar's aggregate classification.

Literature cited by the submitters: PubMed 10732801 (cited by Labcorp Genetics (formerly Invitae), Labcorp); PubMed 29642139 (cited by Labcorp Genetics (formerly Invitae), Labcorp).

NM_000548.5(TSC2):c.2447C>T (p.Pro816Leu)

Gene: TSC2 (TSC complex subunit 2; plus strand). Cytogenetic location: 16p13.3.
Variant type: single nucleotide variant.
Coding change: c.2447C>T on transcript NM_000548.5 (MANE Select); coding-DNA position 2447, C replaced by T.
Protein change: p.Pro816Leu; replaces proline 816 with leucine.
Molecular consequence: missense variant.
Genome position (GRCh38, 1-based): chr16:2,074,291, C>T. VCF-style: chr16-2074291-C-T. GRCh37 (hg19) VCF-style: chr16-2124292-C-T.
Other names: c.2447C>T, p.Pro816Leu (NM_001077183.3, NM_001114382.3, NM_001363528.2 and 3 more transcripts); c.2336C>T, p.Pro779Leu (NM_001318827.2); c.2300C>T, p.Pro767Leu (NM_001318829.2); c.1847C>T, p.Pro616Leu (NM_001318831.2); c.2480C>T, p.Pro827Leu (NM_001318832.2); short protein forms P816L, P827L, P616L, P767L, P779L.
Identifiers: ClinVar variation 50182 (VCV000050182.14), dbSNP rs45517236, ClinGen allele CA017430.